The following is an entry in ClinVar:

ClinVar aggregate classification (germline): Uncertain significance (1 of 4 stars; one submission).

Submission:

GeneDx
Classification: Uncertain significance. Last evaluated: 2024-10-10. Review status: criteria provided, single submitter. Criteria: GeneDx Variant Classification Process June 2021. Collection method: clinical testing. Allele origin: germline. Affected: yes.
Comment: Not observed at significant frequency in large population cohorts (gnomAD); In silico analysis supports that this missense variant has a deleterious effect on protein structure/function; Has not been previously published as pathogenic or benign to our knowledge

NM_000944.5(PPP3CA):c.46A>G (p.Arg16Gly)

Gene: PPP3CA (protein phosphatase 3 catalytic subunit alpha; minus strand). Cytogenetic location: 4q24.
Variant type: single nucleotide variant.
Coding change: c.46A>G on transcript NM_000944.5 (MANE Select); coding-DNA position 46, A replaced by G.
Protein change: p.Arg16Gly; replaces arginine 16 with glycine.
Molecular consequence: missense variant.
Genome position (GRCh38, 1-based): chr4:101,346,751, T>C on the plus strand (A>G on the coding strand, the complement: PPP3CA is on the minus strand). VCF-style: chr4-101346751-T-C. GRCh37 (hg19) VCF-style: chr4-102267908-T-C.
Other names: c.46A>G, p.Arg16Gly (NM_001130691.2, NM_001130692.2); short protein forms R16G.
Identifiers: ClinVar variation 3777567 (VCV003777567.1).